The following is an entry in ClinVar:

ClinVar aggregate classification (germline): Uncertain significance (1 of 4 stars; one submission).

Conditions:
DSCAM-related disorder. Also called: DSCAM-related condition.

Submission:

PreventionGenetics, part of Exact Sciences
Classification: Uncertain significance for DSCAM-related condition. Last evaluated: 2023-01-11. Review status: criteria provided, single submitter. Criteria: ACMG Guidelines, 2015. Collection method: clinical testing. Allele origin: germline.
Comment: The DSCAM c.4644G>T variant is predicted to result in the amino acid substitution p.Met1548Ile. To our knowledge, this variant has not been reported in the literature or in a large population database, indicating this variant is rare. At this time, the clinical significance of this variant is uncertain due to the absence of conclusive functional and genetic evidence.

NM_001389.5(DSCAM):c.4644G>T (p.Met1548Ile)

Gene: DSCAM (DS cell adhesion molecule; minus strand). Cytogenetic location: 21q22.2.
Variant type: single nucleotide variant.
Coding change: c.4644G>T on transcript NM_001389.5 (MANE Select); coding-DNA position 4644, G replaced by T.
Protein change: p.Met1548Ile; replaces methionine 1548 with isoleucine.
Molecular consequence: missense variant. On other transcripts: non-coding transcript variant (1).
Genome position (GRCh38, 1-based): chr21:40,078,754, C>A on the plus strand (G>T on the coding strand, the complement: DSCAM is on the minus strand). VCF-style: chr21-40078754-C-A. GRCh37 (hg19) VCF-style: chr21-41450681-C-A.
Other names: c.4644G>T, p.Met1548Ile (NM_001271534.3, NM_206887.1); short protein forms M1548I.
Identifiers: ClinVar variation 2629791 (VCV002629791.1), dbSNP rs2516987921, ClinGen allele CA410298836.